The following is an entry in ClinVar:

ClinVar aggregate classification (germline): Likely pathogenic (1 of 4 stars; one submission).

Submission:

Labcorp Genetics (formerly Invitae), Labcorp
Classification: Likely pathogenic. Last evaluated: 2024-12-18. Review status: criteria provided, single submitter. Criteria: Invitae Variant Classification Sherloc (09022015). Collection method: clinical testing. Allele origin: germline.
Comment: This sequence change affects a donor splice site in intron 4 of the SLC6A19 gene. It is expected to disrupt RNA splicing. Variants that disrupt the donor or acceptor splice site typically lead to a loss of protein function (PMID: 16199547), and loss-of-function variants in SLC6A19 are known to be pathogenic (PMID: 15286787, 15286788). This variant is not present in population databases (gnomAD no frequency). This variant has not been reported in the literature in individuals affected with SLC6A19-related conditions. Algorithms developed to predict the effect of sequence changes on RNA splicing suggest that this variant may disrupt the consensus splice site. In summary, the currently available evidence indicates that the variant is pathogenic, but additional data are needed to prove that conclusively. Therefore, this variant has been classified as Likely Pathogenic.

Literature cited by the submitters: PubMed 16199547; PubMed 15286787; PubMed 15286788.

NM_001003841.3(SLC6A19):c.663+1G>A

Gene: SLC6A19 (solute carrier family 6 member 19; plus strand). Cytogenetic location: 5p15.33.
Variant type: single nucleotide variant.
Coding change: c.663+1G>A on transcript NM_001003841.3 (MANE Select); the canonical splice donor site of the intron after coding-DNA position 663, G replaced by A.
Molecular consequence: splice donor variant.
Genome position (GRCh38, 1-based): chr5:1,212,485, G>A. VCF-style: chr5-1212485-G-A. GRCh37 (hg19) VCF-style: chr5-1212600-G-A.
Identifiers: ClinVar variation 3727516 (VCV003727516.2).